The following is an entry in ClinVar:

NM_014141.6(CNTNAP2):c.1498+242A>C

Gene: CNTNAP2 (contactin associated protein 2; plus strand). Cytogenetic location: 7q35.
Variant type: single nucleotide variant.
Coding change: c.1498+242A>C on transcript NM_014141.6 (MANE Select); 242 bases into the intron after coding-DNA position 1498, A replaced by C.
Molecular consequence: intron variant.
Genome position (GRCh38, 1-based): chr7:147,300,532, A>C. VCF-style: chr7-147300532-A-C. GRCh37 (hg19) VCF-style: chr7-146997624-A-C.
Identifiers: ClinVar variation 679166 (VCV000679166.1), dbSNP rs1479837, ClinGen allele CA168711525.

ClinVar aggregate classification (germline): Benign (1 of 4 stars; one submission).

Allele frequency attached by ClinVar (database versions not stated): gnomAD 0.29972 and 0.30731; TOPMed 0.32579; 1000 Genomes Project 30x 0.45597; 1000 Genomes Project 0.45986.
gnomAD v4.1: 46,670 of 152,088 alleles (31%); highest among the groups gnomAD compares: East Asian, 71%; 9,071 homozygotes.

Submission:

GeneDx
Classification: Benign. Last evaluated: 2018-06-14. Review status: criteria provided, single submitter. Criteria: GeneDx Variant Classification (06012015). Collection method: clinical testing. Allele origin: germline. Affected: yes.
Comment: This variant is considered likely benign or benign based on one or more of the following criteria: it is a conservative change, it occurs at a poorly conserved position in the protein, it is predicted to be benign by multiple in silico algorithms, and/or has population frequency not consistent with disease.